The following is an entry in ClinVar:

ClinVar aggregate classification (germline): Likely benign (1 of 4 stars; one submission).

Submission:

CeGaT Center for Human Genetics Tuebingen
Classification: Likely benign. Last evaluated: 2025-08-01. Review status: criteria provided, single submitter. Criteria: CeGaT Center For Human Genetics Tuebingen Variant Classification Criteria Version 2. Collection method: clinical testing. Allele origin: germline. Affected: yes. Observed: 1 variant allele.
Comment: IKBKB: PM2:Supporting, BP4, BP7

NM_001556.3(IKBKB):c.636C>T (p.Ala212=)

Gene: IKBKB (inhibitor of nuclear factor kappa B kinase subunit beta; plus strand). Cytogenetic location: 8p11.21.
Variant type: single nucleotide variant.
Coding change: c.636C>T on transcript NM_001556.3 (MANE Select); coding-DNA position 636, C replaced by T.
Protein change: p.Ala212=; no amino-acid change (alanine 212 retained).
Molecular consequence: synonymous variant. On other transcripts: non-coding transcript variant (3).
Genome position (GRCh38, 1-based): chr8:42,308,969, C>T. VCF-style: chr8-42308969-C-T. GRCh37 (hg19) VCF-style: chr8-42166487-C-T.
Other names: c.444C>T, p.Ala148= (NM_001190720.3); c.459C>T, p.Ala153= (NM_001242778.2).
Identifiers: ClinVar variation 4085881 (VCV004085881.8).